The following is an entry in ClinVar:

NM_016335.6(PRODH):c.1322T>C (p.Leu441Pro)

Gene: PRODH (proline dehydrogenase 1; minus strand). Cytogenetic location: 22q11.21.
Variant type: single nucleotide variant.
Coding change: c.1322T>C on transcript NM_016335.6 (MANE Select); coding-DNA position 1322, T replaced by C.
Protein change: p.Leu441Pro; replaces leucine 441 with proline.
Molecular consequence: missense variant.
Genome position (GRCh38, 1-based): chr22:18,918,421, A>G on the plus strand (T>C on the coding strand, the complement: PRODH is on the minus strand). VCF-style: chr22-18918421-A-G. GRCh37 (hg19) VCF-style: chr22-18905934-A-G.
Other names: c.1322T>C (NM_016335.5); c.998T>C, p.Leu333Pro (NM_001195226.2); short protein forms L441P, L333P.
Identifiers: ClinVar variation 4008 (VCV000004008.76), dbSNP rs2904551, ClinGen allele CA116574.

ClinVar aggregate classification (germline): Conflicting classifications of pathogenicity. Review status: criteria provided, conflicting classifications (1 of 4 stars). 22 submissions from 21 submitters: Pathogenic (3); Likely pathogenic (7); Uncertain significance (8). 4 of the submissions do not count toward it. Last evaluated 2026-07-14.

Conditions:
PRODH-related disorders.
Inborn genetic diseases. Identifiers: MedGen C0950123, MeSH D030342.
Schizophrenia 4 (SCZD4). Also called: SCHIZOPHRENIA, SUSCEPTIBILITY TO, 4; SCHIZOPHRENIA SUSCEPTIBILITY LOCUS, CHROMOSOME 22q11-RELATED. Identifiers: MedGen C1833247, MONDO:0010943, OMIM 600850.
Proline dehydrogenase deficiency (HYRPRO1). Also called: PROLINE OXIDASE DEFICIENCY; Hyperprolinemia type 1. Identifiers: Orphanet 419, MedGen C0268529, MONDO:0009400, OMIM 239500.

Allele frequency attached by ClinVar (database versions not stated): gnomAD 0.00231 and 0.00282; gnomAD exomes 0.00392 and 0.00521; ExAC 0.00576; 1000 Genomes Project 30x 0.00312; 1000 Genomes Project 0.00659; TOPMed 0.00685.
gnomAD v4.1: 777 of 202,168 alleles (0.38%); highest among the groups gnomAD compares: Middle Eastern, 1%; 50 homozygotes.

Submissions 1 to 12 of 22:

Ambry Genetics
Classification: Pathogenic for Inborn genetic diseases. Last evaluated: 2026-07-14. Review status: criteria provided, single submitter. Criteria: Ambry Variant Classification Scheme 2023. Collection method: clinical testing. Allele origin: germline.
Comment: The c.1322T>C (p.L441P) alteration is located in exon 12 (coding exon 11) of the PRODH gene. This alteration results from a T to C substitution at nucleotide position 1322, causing the leucine (L) at amino acid position 441 to be replaced by a proline (P). Based on data from gnomAD, the C allele has an overall frequency of 0.517% (1454/281208) total alleles studied. The highest observed frequency was 0.654% (231/35338) of Latino alleles. This variant has been identified in the homozygous state and/or in conjunction with other PRODH variant(s) in individual(s) with hyperprolinemia who also had neurological symptoms (Jacquet, 2002; Afenjar, 2007; Guilmatre, 2010; Ong 2023). This variant was significantly associated with hyperprolinemia in a case-control study (Jacquet, 2005). This amino acid position is highly conserved in available vertebrate species. Functional studies demonstrate that this alteration results in a severe reduction of proline oxidase (POX) activity and reduced stability (Zhang, 2004; Bender, 2005). This alteration is predicted to be deleterious by in silico analysis. Based on the available evidence, this alteration is classified as pathogenic.

Institute of Human Genetics, University of Leipzig Medical Center
Classification: Likely pathogenic for Proline dehydrogenase deficiency. Last evaluated: 2026-07-02. Review status: criteria provided, single submitter. Criteria: ACMG Guidelines, 2015. Collection method: clinical testing. Allele origin: unknown. Inheritance: Autosomal recessive inheritance. Affected: yes.
Comment: Criteria applied: PM3_STR,PS3_SUP,PP3,PP4

CeGaT Center for Human Genetics Tuebingen
Classification: Likely pathogenic. Last evaluated: 2026-01-01. Review status: criteria provided, single submitter. Criteria: CeGaT Center For Human Genetics Tuebingen Variant Classification Criteria Version 2. Collection method: clinical testing. Allele origin: germline. Affected: yes. Observed: 9 variant alleles.
Comment: PRODH: PM3, PM2:Supporting, PP3, PP4, PS3:Supporting

Women's Health and Genetics/Laboratory Corporation of America, LabCorp
Classification: Uncertain significance. Last evaluated: 2025-12-10. Review status: criteria provided, single submitter. Criteria: LabCorp Variant Classification Summary - May 2015. Collection method: clinical testing. Allele origin: germline.
Comment: Variant summary: PRODH c.1322T>C (p.Leu441Pro) results in a non-conservative amino acid change in the encoded protein sequence. Algorithms developed to predict the effect of missense changes on protein structure and function are either unavailable or do not agree on the potential impact of this missense change. The variant allele was found at a frequency of 0.0052 in 249888 control chromosomes in the gnomAD database, including 12 homozygotes. The observed variant frequency exceeds the estimated maximal expected allele frequency for disease-causing variants in PRODH. c.1322T>C has been reported in the literature in multiple homozygous and compound heterozygous individuals affected with Hyperprolinemia type 1 (e.g. Jacquet_2002, Raux_2010, Guilmatre_2010, Cho_2017, Ong_2023, Zhang_2024), in heterozygous individuals affected with schizophrenia (e.g. Jacquet_2002) or in compound heterozygous individuals unaffected with Hyperprolinemia type 1 (e.g. Chen_2023, Tang_2024). These data collectively suggest the variant may be a risk factor associated with disease. In multiple reports evaluating variant impact on protein function, null residual enzyme activity of the variant was reported in vitro or in a homozygous hyperprolinemia patient (e.g. Bender_2005, Guilmatre_2010) or additionally showed an inability to increase intracellular ROS levels compared to WT (e.g. Nagano_2017). The following publications have been ascertained in the context of this evaluation (PMID: 15662599, 37656460, 28851938, 20524212, 12217952, 32725632, 28264926, 37636236, 17135275, 38651393, 37147621). ClinVar contains an entry for this variant (Variation ID: 4008). Based on the evidence outlined above, the variant was classified as VUS-possibly pathogenic.

3billion
Classification: Likely pathogenic for Proline dehydrogenase deficiency. Last evaluated: 2025-09-30. Review status: criteria provided, single submitter. Criteria: ACMG Guidelines, 2015. Collection method: clinical testing. Allele origin: germline. Affected: yes.
Comment: The variant is observed at an extremely low frequency in the gnomAD v4.1.0 dataset (total allele frequency: 0.384%). Predicted Consequence/Location: Missense variant. The majority of the known disease-causing variants of this gene are variants expected to result in premature termination of the protein. In silico tool predictions suggest damaging effect of the variant on gene or gene product [REVEL: 0.73 (>=0.6, sensitivity 0.68 and specificity 0.92); 3Cnet: 0.99 (> 0.75, sensitivity 0.96 and precision 0.92)]. The same nucleotide change resulting in the same amino acid change has been previously reported as pathogenic/likely pathogenic with strong evidence (ClinVar ID: VCV000004008 /PMID: 12217952 /3billion dataset). Therefore, this variant is classified as Likely pathogenic according to the recommendation of ACMG/AMP guideline.

Department of Human Genetics, Hannover Medical School
Classification: Uncertain significance for Proline dehydrogenase deficiency. Last evaluated: 2025-01-20. Review status: criteria provided, single submitter. Criteria: ACMG Guidelines, 2015. Collection method: clinical testing. Allele origin: germline. Affected: yes.
Comment: ACMG: BS2, PS3_Supporting, PP4_Strong

Labcorp Genetics (formerly Invitae), Labcorp
Classification: Uncertain significance for Proline dehydrogenase deficiency. Last evaluated: 2025-01-18. Review status: criteria provided, single submitter. Criteria: Invitae Variant Classification Sherloc (09022015). Collection method: clinical testing. Allele origin: germline.
Comment: This sequence change replaces leucine, which is neutral and non-polar, with proline, which is neutral and non-polar, at codon 441 of the PRODH protein (p.Leu441Pro). This variant is present in population databases (rs2904551, gnomAD 0.6%), and has an allele count higher than expected for a pathogenic variant. This variant has been reported in individuals affected with type I hyperprolinemia and has been reported to be associated with neurological manifestations when present in the homozygous state. It is also reported to present at a higher frequency in affected individuals than unaffected controls in a small cohort from the French population (PMID: 12217952, 20524212, 37803864). ClinVar contains an entry for this variant (Variation ID: 4008). Invitae Evidence Modeling of protein sequence and biophysical properties (such as structural, functional, and spatial information, amino acid conservation, physicochemical variation, residue mobility, and thermodynamic stability) indicates that this missense variant is expected to disrupt PRODH protein function with a positive predictive value of 80%. Experimental studies have shown that this missense change affects PRODH function (PMID: 15662599). In summary, the available evidence is currently insufficient to determine the role of this variant in disease. Therefore, it has been classified as a Variant of Uncertain Significance.

First Genomix Gene Laboratory, Genetic Diagnostics Department
Classification: Likely pathogenic for Proline dehydrogenase deficiency. Last evaluated: 2025-01-10. Review status: criteria provided, single submitter. Criteria: ACMG Guidelines, 2015. Collection method: clinical testing. Allele origin: germline. Inheritance: Autosomal recessive inheritance. Affected: no. Observed: 1 variant allele.

Blueprint Genetics
Classification: Pathogenic for PRODH-related disorders. Last evaluated: 2024-11-28. Review status: criteria provided, single submitter. Criteria: ACMG Guidelines, 2015. Collection method: clinical testing. Allele origin: de novo. Affected: yes. Observed: 5 variant alleles.

Fulgent Genetics
Classification: Uncertain significance for Proline dehydrogenase deficiency; Schizophrenia 4. Last evaluated: 2024-04-16. Review status: criteria provided, single submitter. Criteria: ACMG Guidelines, 2015. Collection method: clinical testing. Allele origin: germline.

Genomic Medicine Center of Excellence, King Faisal Specialist Hospital and Research Centre
Classification: Uncertain significance for Proline dehydrogenase deficiency. Last evaluated: 2024-03-25. Review status: criteria provided, single submitter. Criteria: ACMG Guidelines, 2015. Collection method: clinical testing. Allele origin: germline.

Revvity Omics, Revvity
Classification: Uncertain significance for Proline dehydrogenase deficiency. Last evaluated: 2024-03-07. Review status: criteria provided, single submitter. Criteria: ACMG Guidelines, 2015. Collection method: clinical testing. Allele origin: germline.